The following is an entry in ClinVar:

NM_000051.4(ATM):c.3625T>A (p.Phe1209Ile)

Gene: ATM (ATM serine/threonine kinase; plus strand). Cytogenetic location: 11q22.3.
Variant type: single nucleotide variant.
Coding change: c.3625T>A on transcript NM_000051.4 (MANE Select); coding-DNA position 3625, T replaced by A.
Protein change: p.Phe1209Ile; replaces phenylalanine 1209 with isoleucine.
Molecular consequence: missense variant.
Genome position (GRCh38, 1-based): chr11:108,282,758, T>A. VCF-style: chr11-108282758-T-A. GRCh37 (hg19) VCF-style: chr11-108153485-T-A.
Other names: c.3625T>A, p.Phe1209Ile (NM_001351834.2); short protein forms F1209I.
Identifiers: ClinVar variation 482609 (VCV000482609.8), dbSNP rs1555092334, ClinGen allele CA382522844.
Genomic context (GRCh38, chr11:108,282,758, plus strand): 5'-TGGTTCGTGCAGGTTTTAGAGAAAGTTTCTGAAACTTTTGGATATAGACGTTTAGAAGAC[T>A]TTATGGCATCTCATTTAGATTATCTGGTTTTGGAATGGCTAAATCTTCAAGATACTGAAT-3'
Protein context (NP_000042.3, residues 1199-1219): ETFGYRRLED[Phe1209Ile]MASHLDYLVL

ClinVar aggregate classification (germline): Uncertain significance. Review status: criteria provided, multiple submitters, no conflicts (2 of 4 stars). 2 submissions from 2 submitters: Uncertain significance (2). Last evaluated 2025-04-05.

Conditions:
Hereditary cancer-predisposing syndrome. Also called: Hereditary neoplastic syndrome; Neoplastic Syndromes, Hereditary; Tumor predisposition; Hereditary Cancer Syndrome. Identifiers: Orphanet 140162, MedGen C0027672, MeSH D009386, MONDO:0015356.
Ataxia-telangiectasia syndrome (AT). Also called: LOUIS-BAR SYNDROME; Cerebello-oculocutaneous telangiectasia; Immunodeficiency with ataxia telangiectasia; AT, COMPLEMENTATION GROUP C; Ataxia-telangiectasia, complementation group D; ATAXIA-TELANGIECTASIA, COMPLEMENTATION GROUP A. Identifiers: Orphanet 100, MedGen C0004135, MONDO:0008840, OMIM 208900.

gnomAD v4.1: 1 of 1,613,198 alleles (0.000062%); no homozygotes.

Submissions (2):

Ambry Genetics
Classification: Uncertain significance for Hereditary cancer-predisposing syndrome. Last evaluated: 2025-04-05. Review status: criteria provided, single submitter. Criteria: Ambry Variant Classification Scheme 2023. Collection method: clinical testing. Allele origin: germline.
Comment: The p.F1209I variant (also known as c.3625T>A), located in coding exon 24 of the ATM gene, results from a T to A substitution at nucleotide position 3625. The phenylalanine at codon 1209 is replaced by isoleucine, an amino acid with highly similar properties. This variant was not reported in population based cohorts in the following databases: Database of Single Nucleotide Polymorphisms (dbSNP), NHLBI Exome Sequencing Project (ESP), and 1000 Genomes Project. In the ESP, this variant was not observed in 6490 samples (12980 alleles) with coverage at this position. To date, this alteration has been detected with an allele frequency of approximately 0.001% (greater than 180000 alleles tested) in our clinical cohort. This amino acid position is well conserved in available vertebrate species. In addition, the in silico prediction for this alteration is inconclusive. Since supporting evidence is limited at this time, the clinical significance of this alteration remains unclear.

Labcorp Genetics (formerly Invitae), Labcorp
Classification: Uncertain significance for Ataxia-telangiectasia syndrome. Last evaluated: 2025-01-21. Review status: criteria provided, single submitter. Criteria: Invitae Variant Classification Sherloc (09022015). Collection method: clinical testing. Allele origin: germline.
Comment: This sequence change replaces phenylalanine, which is neutral and non-polar, with isoleucine, which is neutral and non-polar, at codon 1209 of the ATM protein (p.Phe1209Ile). This variant is not present in population databases (gnomAD no frequency). This variant has not been reported in the literature in individuals affected with ATM-related conditions. ClinVar contains an entry for this variant (Variation ID: 482609). Invitae Evidence Modeling of protein sequence and biophysical properties (such as structural, functional, and spatial information, amino acid conservation, physicochemical variation, residue mobility, and thermodynamic stability) indicates that this missense variant is not expected to disrupt ATM protein function with a negative predictive value of 95%. In summary, the available evidence is currently insufficient to determine the role of this variant in disease. Therefore, it has been classified as a Variant of Uncertain Significance.